The following is an entry in ClinVar:

ClinVar aggregate classification (germline): Pathogenic. Review status: criteria provided, multiple submitters, no conflicts (2 of 4 stars). 3 submissions from 3 submitters: Pathogenic (2). 1 of the submissions does not count toward it. Last evaluated 2025-04-15.

Conditions:
Tuberous sclerosis syndrome (TSC). Also called: Tuberous Sclerosis Complex; Tuberous sclerosis. Identifiers: Orphanet 805, MedGen C0041341, MONDO:0001734.
Hereditary cancer-predisposing syndrome. Also called: Neoplastic Syndromes, Hereditary; Tumor predisposition; Hereditary Cancer Syndrome; Hereditary neoplastic syndrome. Identifiers: Orphanet 140162, MedGen C0027672, MeSH D009386, MONDO:0015356.
Tuberous sclerosis 1 (TSC1). Identifiers: Orphanet 805, MedGen C1854465, MONDO:0008612, OMIM 191100.

Submissions (3):

Ambry Genetics
Classification: Pathogenic for Hereditary cancer-predisposing syndrome. Last evaluated: 2025-04-15. Review status: criteria provided, single submitter. Criteria: Ambry Variant Classification Scheme 2023. Collection method: clinical testing. Allele origin: germline.
Comment: The p.W103* pathogenic mutation (also known as c.309G>A), located in coding exon 3 of the TSC1 gene, results from a G to A substitution at nucleotide position 309. This changes the amino acid from a tryptophan to a stop codon within coding exon 3. This variant has been reported in multiple tuberous sclerosis complex (TSC) cohorts (Jones AC et al. Hum Mol Genet, 1997 Nov;6:2155-61; van Slegtenhorst M et al. J Med Genet, 1999 Apr;36:285-9; Luo C et al. Front Med (Lausanne), 2021 Nov;8:744050). This variant is considered to be rare based on population cohorts in the Genome Aggregation Database (gnomAD). This alteration is expected to result in loss of function by premature protein truncation or nonsense-mediated mRNA decay. As such, this alteration is interpreted as a disease-causing mutation.

Labcorp Genetics (formerly Invitae), Labcorp
Classification: Pathogenic for Tuberous sclerosis 1. Last evaluated: 2024-02-26. Review status: criteria provided, single submitter. Criteria: Invitae Variant Classification Sherloc (09022015). Collection method: clinical testing. Allele origin: germline.
Comment: This sequence change creates a premature translational stop signal (p.Trp103*) in the TSC1 gene. It is expected to result in an absent or disrupted protein product. Loss-of-function variants in TSC1 are known to be pathogenic (PMID: 10227394, 17304050). This variant is not present in population databases (gnomAD no frequency). This premature translational stop signal has been observed in individual(s) with clinical features of tuberous sclerosis (PMID: 9328481). ClinVar contains an entry for this variant (Variation ID: 49013). Algorithms developed to predict the effect of sequence changes on RNA splicing suggest that this variant may disrupt the consensus splice site. For these reasons, this variant has been classified as Pathogenic.

Tuberous sclerosis database (TSC1)
No classification provided. Condition: TSC. Review status: no classification provided. Criteria: Tuberous Sclerosis Database Assertion Criteria 2015. Collection method: curation. Allele origin: germline. Affected: yes. Not counted in ClinVar's aggregate classification.

Literature cited by the submitters: PubMed 10227394 (cited by Ambry Genetics and Labcorp Genetics (formerly Invitae), Labcorp); PubMed 34901059 (cited by Ambry Genetics); PubMed 9328481 (cited by Ambry Genetics and Labcorp Genetics (formerly Invitae), Labcorp); PubMed 17304050 (cited by Labcorp Genetics (formerly Invitae), Labcorp).

NM_000368.5(TSC1):c.309G>A (p.Trp103Ter)

Gene: TSC1 (TSC complex subunit 1; minus strand). Cytogenetic location: 9q34.13.
Variant type: single nucleotide variant.
Coding change: c.309G>A on transcript NM_000368.5 (MANE Select); coding-DNA position 309, G replaced by A.
Protein change: p.Trp103Ter; replaces tryptophan 103 with a stop codon.
Molecular consequence: nonsense. On other transcripts: 5 prime UTR variant (1), intron variant (1).
Genome position (GRCh38, 1-based): chr9:132,925,641, C>T on the plus strand (G>A on the coding strand, the complement: TSC1 is on the minus strand). VCF-style: chr9-132925641-C-T. GRCh37 (hg19) VCF-style: chr9-135801028-C-T.
Other names: c.309G>A, p.Trp103Ter (NM_001162426.2); c.-55G>A (NM_001362177.2); c.210+1560G>A (NM_001162427.2); short protein forms W103*.
Identifiers: ClinVar variation 49013 (VCV000049013.9), dbSNP rs118203365, ClinGen allele CA007158.
Genomic context (GRCh38, chr9:132,925,641, plus strand): 5'-TCCTACCTTGAGACATTTTAGTAAAGAAGGCAAAAGAGGTGCTTGAGAGAGCTTATGCTT[C>T]CAAGATGGCTGCAGTCTTATGACATGACCCAGTAACGAGAGGATGGATAAACGAGTGGCG-3'